The following is an entry in ClinVar:

ClinVar aggregate classification (germline): Uncertain significance. Review status: criteria provided, multiple submitters, no conflicts (2 of 4 stars). 2 submissions from 2 submitters: Uncertain significance (2). Last evaluated 2023-08-11.

Allele frequency attached by ClinVar (database versions not stated): TOPMed below 0.00001; ExAC 0.00002; gnomAD exomes 0.00002.
gnomAD v4.1: 33 of 1,614,170 alleles (0.002%); highest among the groups gnomAD compares: South Asian, 0.0055%; no homozygotes.

Submissions (2):

Blueprint Genetics
Classification: Uncertain significance. Last evaluated: 2023-08-11. Review status: criteria provided, single submitter. Criteria: ACMG Guidelines, 2015. Collection method: clinical testing. Allele origin: germline.

Labcorp Genetics (formerly Invitae), Labcorp
Classification: Uncertain significance. Last evaluated: 2022-05-28. Review status: criteria provided, single submitter. Criteria: Invitae Variant Classification Sherloc (09022015). Collection method: clinical testing. Allele origin: germline.
Comment: This sequence change replaces arginine, which is basic and polar, with tryptophan, which is neutral and slightly polar, at codon 170 of the IL2RB protein (p.Arg170Trp). This variant is present in population databases (rs768177172, gnomAD 0.006%). This variant has not been reported in the literature in individuals affected with IL2RB-related conditions. ClinVar contains an entry for this variant (Variation ID: 1393286). Algorithms developed to predict the effect of missense changes on protein structure and function (SIFT, PolyPhen-2, Align-GVGD) all suggest that this variant is likely to be disruptive. In summary, the available evidence is currently insufficient to determine the role of this variant in disease. Therefore, it has been classified as a Variant of Uncertain Significance.

NM_000878.5(IL2RB):c.508C>T (p.Arg170Trp)

Gene: IL2RB (interleukin 2 receptor subunit beta; minus strand). Cytogenetic location: 22q12.3.
Variant type: single nucleotide variant.
Coding change: c.508C>T on transcript NM_000878.5 (MANE Select); coding-DNA position 508, C replaced by T.
Protein change: p.Arg170Trp; replaces arginine 170 with tryptophan.
Molecular consequence: missense variant.
Genome position (GRCh38, 1-based): chr22:37,137,616, G>A on the plus strand (C>T on the coding strand, the complement: IL2RB is on the minus strand). VCF-style: chr22-37137616-G-A. GRCh37 (hg19) VCF-style: chr22-37533656-G-A.
Other names: c.508C>T, p.Arg170Trp (NM_001346222.1, NM_001346223.2); short protein forms R170W.
Identifiers: ClinVar variation 1393286 (VCV001393286.5), dbSNP rs768177172, ClinGen allele CA10216611.